The following is an entry in ClinVar:

NM_000795.4(DRD2):c.529G>A (p.Ala177Thr)

Gene: DRD2 (dopamine receptor D2; minus strand). Cytogenetic location: 11q23.2.
Variant type: single nucleotide variant.
Coding change: c.529G>A on transcript NM_000795.4 (MANE Select); coding-DNA position 529, G replaced by A.
Protein change: p.Ala177Thr; replaces alanine 177 with threonine.
Molecular consequence: missense variant.
Genome position (GRCh38, 1-based): chr11:113,416,866, C>T on the plus strand (G>A on the coding strand, the complement: DRD2 is on the minus strand). VCF-style: chr11-113416866-C-T. GRCh37 (hg19) VCF-style: chr11-113287588-C-T.
Other names: c.529G>A, p.Ala177Thr (NM_016574.4); short protein forms A177T.
Identifiers: ClinVar variation 3635926 (VCV003635926.2).

ClinVar aggregate classification (germline): Uncertain significance (1 of 4 stars; one submission).

Conditions:
Dystonic disorder. Also called: Dystonia. Identifiers: MedGen C0013421, MONDO:0003441, HP:0001332.

Submission:

Labcorp Genetics (formerly Invitae), Labcorp
Classification: Uncertain significance for Dystonic disorder. Last evaluated: 2024-12-04. Review status: criteria provided, single submitter. Criteria: Invitae Variant Classification Sherloc (09022015). Collection method: clinical testing. Allele origin: germline.
Comment: This sequence change replaces alanine, which is neutral and non-polar, with threonine, which is neutral and polar, at codon 177 of the DRD2 protein (p.Ala177Thr). This variant is present in population databases (rs571869697, gnomAD 0.03%). This variant has not been reported in the literature in individuals affected with DRD2-related conditions. An algorithm developed to predict the effect of missense changes on protein structure and function outputs the following: PolyPhen-2: "Benign". The threonine amino acid residue is found in multiple mammalian species, which suggests that this missense change does not adversely affect protein function. In summary, the available evidence is currently insufficient to determine the role of this variant in disease. Therefore, it has been classified as a Variant of Uncertain Significance.